The following is an entry in ClinVar:

ClinVar aggregate classification (germline): Uncertain significance. Review status: criteria provided, multiple submitters, no conflicts (2 of 4 stars). 2 submissions from 2 submitters: Uncertain significance (2). Last evaluated 2025-09-26.

Conditions:
Hereditary cancer-predisposing syndrome. Also called: Tumor predisposition; Hereditary Cancer Syndrome; Hereditary neoplastic syndrome; Neoplastic Syndromes, Hereditary. Identifiers: Orphanet 140162, MedGen C0027672, MeSH D009386, MONDO:0015356.
Rhabdoid tumor predisposition syndrome 2 (RTPS2). Identifiers: Orphanet 231108, Orphanet 69077, MedGen C2750074, MONDO:0013224, OMIM 613325.

Submissions (2):

Ambry Genetics
Classification: Uncertain significance for Hereditary cancer-predisposing syndrome. Last evaluated: 2025-09-26. Review status: criteria provided, single submitter. Criteria: Ambry Variant Classification Scheme 2023. Collection method: clinical testing. Allele origin: germline.
Comment: The p.P283T variant (also known as c.847C>A), located in coding exon 4 of the SMARCA4 gene, results from a C to A substitution at nucleotide position 847. The proline at codon 283 is replaced by threonine, an amino acid with highly similar properties. This amino acid position is conserved. In addition, this alteration is predicted to be tolerated by in silico analysis. Based on the available evidence, the clinical significance of this variant remains unclear.

Labcorp Genetics (formerly Invitae), Labcorp
Classification: Uncertain significance for Rhabdoid tumor predisposition syndrome 2. Last evaluated: 2025-09-18. Review status: criteria provided, single submitter. Criteria: Invitae Variant Classification Sherloc (09022015). Collection method: clinical testing. Allele origin: germline.
Comment: This sequence change replaces proline, which is neutral and non-polar, with threonine, which is neutral and polar, at codon 283 of the SMARCA4 protein (p.Pro283Thr). This variant is not present in population databases (gnomAD no frequency). This variant has not been reported in the literature in individuals affected with SMARCA4-related conditions. An algorithm developed to predict the effect of missense changes on protein structure and function (PolyPhen-2) suggests that this variant is likely to be tolerated. In summary, the available evidence is currently insufficient to determine the role of this variant in disease. Therefore, it has been classified as a Variant of Uncertain Significance.

NM_003072.5(SMARCA4):c.847C>A (p.Pro283Thr)

Gene: SMARCA4 (SWI/SNF related BAF chromatin remodeling complex subunit ATPase 4; plus strand). Cytogenetic location: 19p13.2.
Variant type: single nucleotide variant.
Coding change: c.847C>A on transcript NM_003072.5 (MANE Select); coding-DNA position 847, C replaced by A.
Protein change: p.Pro283Thr; replaces proline 283 with threonine.
Molecular consequence: missense variant. On other transcripts: non-coding transcript variant (1).
Genome position (GRCh38, 1-based): chr19:10,986,991, C>A. VCF-style: chr19-10986991-C-A. GRCh37 (hg19) VCF-style: chr19-11097667-C-A.
Other names: c.847C>A, p.Pro283Thr (NM_001128844.3, NM_001128845.2, NM_001128846.2 and 6 more transcripts); short protein forms P283T.
Identifiers: ClinVar variation 4549242 (VCV004549242.2).